The following is an entry in ClinVar:

ClinVar aggregate classification (germline): Benign. Review status: criteria provided, multiple submitters, no conflicts (2 of 4 stars). 3 submissions from 3 submitters: Benign (2). 1 of the submissions does not count toward it. Last evaluated 2026-01-27.

Conditions:
CSF1R-related disorder. Also called: CSF1R-related condition. Identifiers: MedGen CN379780, MONDO:0100632.
Hereditary diffuse leukoencephalopathy with spheroids. Also called: LEUKOENCEPHALOPATHY, ADULT-ONSET, WITH AXONAL SPHEROIDS AND PIGMENTED GLIA. Identifiers: Orphanet 313808, MedGen C3711381, MONDO:0030796.

Allele frequency attached by ClinVar (database versions not stated): gnomAD exomes 0.00032 and 0.00075; ExAC 0.00098; 1000 Genomes Project 30x 0.00172; 1000 Genomes Project 0.00180; gnomAD 0.00309 and 0.00329; TOPMed 0.00359; ESP Exome Variant Server 0.00361.
gnomAD v4.1: 970 of 1,613,090 alleles (0.06%); highest among the groups gnomAD compares: African/African-American, 1.1%; 12 homozygotes.

Submissions (3):

Labcorp Genetics (formerly Invitae), Labcorp
Classification: Benign. Last evaluated: 2026-01-27. Review status: criteria provided, single submitter. Criteria: Invitae Variant Classification Sherloc (09022015). Collection method: clinical testing. Allele origin: germline.

Illumina Laboratory Services, Illumina
Classification: Benign for Leukoencephalopathy, diffuse hereditary, with spheroids 1. Last evaluated: 2018-01-12. Review status: criteria provided, single submitter. Criteria: ICSL Variant Classification Criteria 13 December 2019. Collection method: clinical testing. Allele origin: germline.
Comment: This variant was observed in the ICSL laboratory as part of a predisposition screen in an ostensibly healthy population. It had not been previously curated by ICSL or reported in the Human Gene Mutation Database (HGMD: prior to June 1st, 2018), and was therefore a candidate for classification through an automated scoring system. Utilizing variant allele frequency, disease prevalence and penetrance estimates, and inheritance mode, an automated score was calculated to assess if this variant is too frequent to cause the disease. Based on the score and internal cut-off values, a variant classified as benign is not then subjected to further curation. The score for this variant resulted in a classification of benign for this disease.

PreventionGenetics, part of Exact Sciences
Classification: Benign for CSF1R-related condition. Last evaluated: 2019-12-04. Review status: no assertion criteria provided. Collection method: clinical testing. Allele origin: germline. Not counted in ClinVar's aggregate classification.
Comment: This variant is classified as benign based on ACMG/AMP sequence variant interpretation guidelines (Richards et al. 2015 PMID: 25741868, with internal and published modifications).

NM_001288705.3(CSF1R):c.1552G>A (p.Val518Met)

Gene: CSF1R (colony stimulating factor 1 receptor; minus strand). Cytogenetic location: 5q32.
Variant type: single nucleotide variant.
Coding change: c.1552G>A on transcript NM_001288705.3 (MANE Select); coding-DNA position 1552, G replaced by A.
Protein change: p.Val518Met; replaces valine 518 with methionine.
Molecular consequence: missense variant. On other transcripts: non-coding transcript variant (2).
Genome position (GRCh38, 1-based): chr5:150,068,289, C>T on the plus strand (G>A on the coding strand, the complement: CSF1R is on the minus strand). VCF-style: chr5-150068289-C-T. GRCh37 (hg19) VCF-style: chr5-149447852-C-T.
Other names: c.1552G>A, p.Val518Met (NM_001349736.2, NM_001375320.1, NM_005211.4); c.1108G>A, p.Val370Met (NM_001375321.1); short protein forms V518M, V370M.
Identifiers: ClinVar variation 711934 (VCV000711934.16), dbSNP rs138432536, ClinGen allele CA3506786.